The following is an entry in ClinVar:

ClinVar aggregate classification (germline): Uncertain significance (1 of 4 stars; one submission).

gnomAD v4.1: 1 of 1,614,150 alleles (0.000062%); highest among the groups gnomAD compares: East Asian, 0.0022%; no homozygotes.

Submission:

GeneDx
Classification: Uncertain significance. Last evaluated: 2025-07-24. Review status: criteria provided, single submitter. Criteria: GeneDx Variant Classification Process June 2021. Collection method: clinical testing. Allele origin: germline. Affected: yes.
Comment: Not observed at significant frequency in large population cohorts (gnomAD); In silico analysis supports that this missense variant has a deleterious effect on protein structure/function; Has not been previously published as pathogenic or benign to our knowledge

NM_001458.5(FLNC):c.3338G>A (p.Gly1113Asp)

Gene: FLNC (filamin C; plus strand). Cytogenetic location: 7q32.1.
Variant type: single nucleotide variant.
Coding change: c.3338G>A on transcript NM_001458.5 (MANE Select); coding-DNA position 3338, G replaced by A.
Protein change: p.Gly1113Asp; replaces glycine 1113 with aspartic acid.
Molecular consequence: missense variant.
Genome position (GRCh38, 1-based): chr7:128,844,803, G>A. VCF-style: chr7-128844803-G-A. GRCh37 (hg19) VCF-style: chr7-128484857-G-A.
Other names: c.3338G>A, p.Gly1113Asp (NM_001127487.2); short protein forms G1113D.
Identifiers: ClinVar variation 4686938 (VCV004686938.1).